The following is an entry in ClinVar:

NM_005732.4(RAD50):c.2557A>T (p.Ile853Leu)

Gene: RAD50 (RAD50 double strand break repair protein; plus strand). Cytogenetic location: 5q31.1.
Variant type: single nucleotide variant.
Coding change: c.2557A>T on transcript NM_005732.4 (MANE Select); coding-DNA position 2557, A replaced by T.
Protein change: p.Ile853Leu; replaces isoleucine 853 with leucine.
Molecular consequence: missense variant.
Genome position (GRCh38, 1-based): chr5:132,604,838, A>T. VCF-style: chr5-132604838-A-T. GRCh37 (hg19) VCF-style: chr5-131940530-A-T.
Other names: short protein forms I853L.
Identifiers: ClinVar variation 1059117 (VCV001059117.11), dbSNP rs2149847713, ClinGen allele CA360956318.

ClinVar aggregate classification (germline): Uncertain significance. Review status: criteria provided, multiple submitters, no conflicts (2 of 4 stars). 2 submissions from 2 submitters: Uncertain significance (2). Last evaluated 2023-09-01.

Conditions:
Hereditary cancer-predisposing syndrome. Also called: Neoplastic Syndromes, Hereditary; Hereditary Cancer Syndrome; Hereditary neoplastic syndrome; Tumor predisposition. Identifiers: Orphanet 140162, MedGen C0027672, MeSH D009386, MONDO:0015356.

gnomAD v4.1: 1 of 1,613,154 alleles (0.000062%); highest among the groups gnomAD compares: Non-Finnish European, 0.000085%; no homozygotes.

Submissions (2):

Labcorp Genetics (formerly Invitae), Labcorp
Classification: Uncertain significance for Hereditary cancer-predisposing syndrome. Last evaluated: 2023-09-01. Review status: criteria provided, single submitter. Criteria: Invitae Variant Classification Sherloc (09022015). Collection method: clinical testing. Allele origin: germline.
Comment: In summary, the available evidence is currently insufficient to determine the role of this variant in disease. Therefore, it has been classified as a Variant of Uncertain Significance. Studies have shown that this missense change results in activation of a cryptic splice site and introduces a premature termination codon (Invitae). The resulting mRNA is expected to undergo nonsense-mediated decay. Advanced modeling of protein sequence and biophysical properties (such as structural, functional, and spatial information, amino acid conservation, physicochemical variation, residue mobility, and thermodynamic stability) performed at Invitae indicates that this missense variant is not expected to disrupt RAD50 protein function. ClinVar contains an entry for this variant (Variation ID: 1059117). This variant has not been reported in the literature in individuals affected with RAD50-related conditions. This variant is not present in population databases (gnomAD no frequency). This sequence change replaces isoleucine, which is neutral and non-polar, with leucine, which is neutral and non-polar, at codon 853 of the RAD50 protein (p.Ile853Leu). RNA analysis indicates that this missense change induces altered splicing and may result in an absent or disrupted protein product.

Ambry Genetics
Classification: Uncertain significance for Hereditary cancer-predisposing syndrome. Last evaluated: 2019-09-18. Review status: criteria provided, single submitter. Criteria: Ambry Variant Classification Scheme 2023. Collection method: clinical testing. Allele origin: germline.
Comment: The p.I853L variant (also known as c.2557A>T), located in coding exon 16 of the RAD50 gene, results from an A to T substitution at nucleotide position 2557. The isoleucine at codon 853 is replaced by leucine, an amino acid with highly similar properties. This amino acid position is well conserved in available vertebrate species. In addition, this alteration is predicted to be tolerated by in silico analysis. Since supporting evidence is limited at this time, the clinical significance of this alteration remains unclear.